The following is an entry in ClinVar:

ClinVar aggregate classification (germline): Uncertain significance. Review status: criteria provided, multiple submitters, no conflicts (2 of 4 stars). 2 submissions from 2 submitters: Uncertain significance (2). Last evaluated 2025-08-30.

Allele frequency attached by ClinVar (database versions not stated): gnomAD exomes below 0.00001; gnomAD 0.00001.
gnomAD v4.1: 6 of 1,613,856 alleles (0.00037%); highest among the groups gnomAD compares: Admixed American, 0.0033%; no homozygotes.

Submissions (2):

Ambry Genetics
Classification: Uncertain significance. Last evaluated: 2025-08-30. Review status: criteria provided, single submitter. Criteria: Ambry Variant Classification Scheme 2023. Collection method: clinical testing. Allele origin: germline.

GeneDx
Classification: Uncertain significance. Last evaluated: 2019-11-02. Review status: criteria provided, single submitter. Criteria: GeneDx Variant Classification Process June 2021. Collection method: clinical testing. Allele origin: germline. Affected: yes.
Comment: Not observed in large population cohorts (Lek et al., 2016); In silico analysis, which includes protein predictors and evolutionary conservation, supports a deleterious effect; Has not been previously published as pathogenic or benign to our knowledge

NM_000234.3(LIG1):c.2620C>T (p.Arg874Trp)

Gene: LIG1 (DNA ligase 1; minus strand). Cytogenetic location: 19q13.33.
Variant type: single nucleotide variant.
Coding change: c.2620C>T on transcript NM_000234.3 (MANE Select); coding-DNA position 2620, C replaced by T.
Protein change: p.Arg874Trp; replaces arginine 874 with tryptophan.
Molecular consequence: missense variant. On other transcripts: non-coding transcript variant (6).
Genome position (GRCh38, 1-based): chr19:48,115,929, G>A on the plus strand (C>T on the coding strand, the complement: LIG1 is on the minus strand). VCF-style: chr19-48115929-G-A. GRCh37 (hg19) VCF-style: chr19-48619186-G-A.
Other names: c.2527C>T, p.Arg843Trp (NM_001289063.2); c.2416C>T, p.Arg806Trp (NM_001289064.2); c.2617C>T, p.Arg873Trp (NM_001320970.2); c.2530C>T, p.Arg844Trp (NM_001320971.2); short protein forms R806W, R843W, R844W, R873W, R874W.
Identifiers: ClinVar variation 1309635 (VCV001309635.3), dbSNP rs2032775534, ClinGen allele CA406641653.